The following is an entry in ClinVar:

ClinVar aggregate classification (germline): Uncertain significance (1 of 4 stars; one submission).

Submission:

Women's Health and Genetics/Laboratory Corporation of America, LabCorp
Classification: Uncertain significance. Last evaluated: 2025-05-29. Review status: criteria provided, single submitter. Criteria: LabCorp Variant Classification Summary - May 2015. Collection method: clinical testing. Allele origin: germline.
Comment: Variant summary: MAN2B2 c.821_834del14 (p.Ala274AspfsX11) results in a premature termination codon, predicted to cause a truncation of the encoded protein or absence of the protein due to nonsense mediated decay, however current evidence is not sufficient to establish loss of function as a mechanism for disease. The variant allele was found at a frequency of 8e-06 in 249268 control chromosomes. The available data on variant occurrences in the general population are insufficient to allow any conclusion about variant significance. To our knowledge, no occurrence of c.821_834del14 in individuals affected with MAN2B2 Deficiency and no experimental evidence demonstrating its impact on protein function have been reported. No submitters have cited clinical-significance assessments for this variant to ClinVar. Based on the evidence outlined above, the variant was classified as uncertain significance.

NM_015274.3(MAN2B2):c.821_834del (p.Ala274fs)

Gene: MAN2B2 (mannosidase alpha class 2B member 2; plus strand). Cytogenetic location: 4p16.1.
Variant type: Deletion.
Coding change: c.821_834del on transcript NM_015274.3 (MANE Select); coding-DNA positions 821 to 834, 14 bases deleted (CCGCCTGGTTCCGG).
Protein change: p.Ala274fs; shifts the reading frame from alanine 274.
Molecular consequence: frameshift variant. On other transcripts: intron variant (1).
Genome position (GRCh38, 1-based): chr4:6,593,313-6,593,326, CCGCCTGGTTCCGG deleted; deleting any 14 consecutive bases within chr4:6,593,311-6,593,326 gives the same sequence; the c. name uses the placement nearest the transcript's 3' end. VCF-style (leftmost placement, unchanged base first): chr4-6593310-GGGCCGCCTGGTTCC-G. GRCh37 (hg19) VCF-style: chr4-6595037-GGGCCGCCTGGTTCC-G.
Other names: c.792+29_792+42del (NM_001292038.2); c.821_834del14 (NM_015274.3); short protein forms A274fs.
Identifiers: ClinVar variation 3902472 (VCV003902472.1).